The following is an entry in ClinVar:

NM_001041.4(SI):c.3487C>A (p.His1163Asn)

Gene: SI (sucrase-isomaltase; minus strand). Cytogenetic location: 3q26.1.
Variant type: single nucleotide variant.
Coding change: c.3487C>A on transcript NM_001041.4 (MANE Select); coding-DNA position 3487, C replaced by A.
Protein change: p.His1163Asn; replaces histidine 1163 with asparagine.
Molecular consequence: missense variant.
Genome position (GRCh38, 1-based): chr3:165,018,003, G>T on the plus strand (C>A on the coding strand, the complement: SI is on the minus strand). VCF-style: chr3-165018003-G-T. GRCh37 (hg19) VCF-style: chr3-164735791-G-T.
Other names: short protein forms H1163N.
Identifiers: ClinVar variation 3612430 (VCV003612430.2).
Genomic context (GRCh38, chr3:165,018,003, plus strand): 5'-GAGACATTCAACAAATGATTGTTTTACCCATTGCATTGCTGTTGAGTAAGAAAACACCAT[G>T]AGCATTGCCCTCCTCTTCCAGAGCCATGTAATAGGGATGAAATCCATAGGAATTAAGTTT-3'
Protein context (NP_001032.2, residues 1153-1173): YMALEEEGNA[His1163Asn]GVFLLNSNAM

ClinVar aggregate classification (germline): Uncertain significance (1 of 4 stars; one submission).

gnomAD v4.1: 1 of 1,611,666 alleles (0.000062%); highest among the groups gnomAD compares: Non-Finnish European, 0.000085%; no homozygotes.

Submission:

Labcorp Genetics (formerly Invitae), Labcorp
Classification: Uncertain significance. Last evaluated: 2024-09-28. Review status: criteria provided, single submitter. Criteria: Invitae Variant Classification Sherloc (09022015). Collection method: clinical testing. Allele origin: germline.
Comment: This sequence change replaces histidine, which is basic and polar, with asparagine, which is neutral and polar, at codon 1163 of the SI protein (p.His1163Asn). This variant is not present in population databases (gnomAD no frequency). This variant has not been reported in the literature in individuals affected with SI-related conditions. Invitae Evidence Modeling of protein sequence and biophysical properties (such as structural, functional, and spatial information, amino acid conservation, physicochemical variation, residue mobility, and thermodynamic stability) has been performed for this missense variant. However, the output from this modeling did not meet the statistical confidence thresholds required to predict the impact of this variant on SI protein function. In summary, the available evidence is currently insufficient to determine the role of this variant in disease. Therefore, it has been classified as a Variant of Uncertain Significance.